The following is an entry in ClinVar:

NM_001258392.3(CLPB):c.527T>C (p.Ile176Thr)

Gene: CLPB (ClpB family mitochondrial disaggregase; minus strand). Cytogenetic location: 11q13.4.
Variant type: single nucleotide variant.
Coding change: c.527T>C on transcript NM_001258392.3 (MANE Select); coding-DNA position 527, T replaced by C.
Protein change: p.Ile176Thr; replaces isoleucine 176 with threonine.
Molecular consequence: missense variant. On other transcripts: intron variant (1).
Genome position (GRCh38, 1-based): chr11:72,402,981, A>G on the plus strand (T>C on the coding strand, the complement: CLPB is on the minus strand). VCF-style: chr11-72402981-A-G. GRCh37 (hg19) VCF-style: chr11-72114025-A-G.
Other names: c.392T>C, p.Ile131Thr (NM_001258394.3); c.527T>C, p.Ile176Thr (NM_030813.6); c.456-22597T>C (NM_001258393.3); short protein forms I131T, I176T.
Identifiers: ClinVar variation 3620388 (VCV003620388.2).
Genomic context (GRCh38, chr11:72,402,981, plus strand): 5'-CAGAGATCTGCCTAAAGGAGCCCTGTGTGGAAGGTGGTCTCTCACCTGTTGTTTCGGTTG[A>G]TGGCTGCCACCATGAGTGCTGTCCAGCCAAGTCTGTGCTTTGCATTGACATCTGCACCTT-3'
Protein context (NP_001245321.1, residues 166-186): LGWTALMVAA[Ile176Thr]NRNNSVVQVL

ClinVar aggregate classification (germline): Uncertain significance (1 of 4 stars; one submission).

Conditions:
3-methylglutaconic aciduria, type VIIB (MGCA7B). Also called: 3-methylglutaconic aciduria, type VII, with cataracts, neurologic involvement and neutropenia; CLPB Deficiency; 3-methylglutaconic aciduria with cataracts, neurologic involvement and neutropenia. Identifiers: Orphanet 445038, MedGen C5676893, MONDO:0014561, OMIM 616271.

gnomAD v4.1: 1 of 1,613,768 alleles (0.000062%); highest among the groups gnomAD compares: Non-Finnish European, 0.000085%; no homozygotes.

Submission:

Labcorp Genetics (formerly Invitae), Labcorp
Classification: Uncertain significance for 3-methylglutaconic aciduria, type VIIB. Last evaluated: 2024-08-29. Review status: criteria provided, single submitter. Criteria: Invitae Variant Classification Sherloc (09022015). Collection method: clinical testing. Allele origin: germline.
Comment: This sequence change replaces isoleucine, which is neutral and non-polar, with threonine, which is neutral and polar, at codon 176 of the CLPB protein (p.Ile176Thr). This variant is not present in population databases (gnomAD no frequency). This variant has not been reported in the literature in individuals affected with CLPB-related conditions. An algorithm developed to predict the effect of missense changes on protein structure and function (PolyPhen-2) suggests that this variant is likely to be disruptive. In summary, the available evidence is currently insufficient to determine the role of this variant in disease. Therefore, it has been classified as a Variant of Uncertain Significance.